The following is an entry in ClinVar:

ClinVar aggregate classification (germline): Likely benign. Review status: criteria provided, multiple submitters, no conflicts (2 of 4 stars). 5 submissions from 5 submitters: Likely benign (5). Last evaluated 2025-11-03.

Conditions:
FOXC1-related disorder. Also called: FOXC1-related condition.
Axenfeld-Rieger syndrome type 3 (RIEG3). Also called: AXENFELD-RIEGER ANOMALY WITH CARDIAC DEFECTS AND/OR SENSORINEURAL HEARING LOSS. Identifiers: Orphanet 782, MedGen C2678503, MONDO:0011233, OMIM 602482.

Allele frequency attached by ClinVar (database versions not stated): gnomAD 0.00029 and 0.00032; TOPMed 0.00030; gnomAD exomes 0.00041; ExAC 0.00108.
gnomAD v4.1: 543 of 1,319,086 alleles (0.041%); highest among the groups gnomAD compares: Non-Finnish European, 0.05%; no homozygotes.

Submissions (5):

Labcorp Genetics (formerly Invitae), Labcorp
Classification: Likely benign for Axenfeld-Rieger syndrome type 3. Last evaluated: 2025-11-03. Review status: criteria provided, single submitter. Criteria: Invitae Variant Classification Sherloc (09022015). Collection method: clinical testing. Allele origin: germline.

PreventionGenetics, part of Exact Sciences
Classification: Likely benign for FOXC1-related condition. Last evaluated: 2024-12-30. Review status: criteria provided, single submitter. Criteria: ACMG Guidelines, 2015. Collection method: clinical testing. Allele origin: germline.
Comment: This variant is classified as likely benign based on ACMG/AMP sequence variant interpretation guidelines (Richards et al. 2015 PMID: 25741868, with internal and published modifications).

Blueprint Genetics
Classification: Likely benign. Last evaluated: 2024-07-23. Review status: criteria provided, single submitter. Criteria: ACMG Guidelines, 2015. Collection method: clinical testing. Allele origin: germline.

CeGaT Center for Human Genetics Tuebingen
Classification: Likely benign. Last evaluated: 2024-07-01. Review status: criteria provided, single submitter. Criteria: CeGaT Center For Human Genetics Tuebingen Variant Classification Criteria Version 2. Collection method: clinical testing. Allele origin: germline. Affected: yes. Observed: 1 variant allele.
Comment: FOXC1: BP4, BP7

Breakthrough Genomics
Classification: Likely benign. Review status: criteria provided, single submitter. Criteria: ACMG Guidelines, 2015. Collection method: not provided. Allele origin: germline. Inheritance: Autosomal dominant inheritance. Affected: yes.

NM_001453.3(FOXC1):c.1189C>T (p.Leu397=)

Gene: FOXC1 (forkhead box C1; plus strand). Cytogenetic location: 6p25.3.
Variant type: single nucleotide variant.
Coding change: c.1189C>T on transcript NM_001453.3 (MANE Select); coding-DNA position 1189, C replaced by T.
Protein change: p.Leu397=; no amino-acid change (leucine 397 retained).
Molecular consequence: synonymous variant.
Genome position (GRCh38, 1-based): chr6:1,611,634, C>T. VCF-style: chr6-1611634-C-T. GRCh37 (hg19) VCF-style: chr6-1611869-C-T.
Identifiers: ClinVar variation 537392 (VCV000537392.30), dbSNP rs771039137, ClinGen allele CA3614876.